The following is an entry in ClinVar:

NM_001371928.1(AHDC1):c.206C>G (p.Pro69Arg)

Gene: AHDC1 (AT-hook DNA binding motif containing 1; minus strand). Cytogenetic location: 1p36.11.
Variant type: single nucleotide variant.
Coding change: c.206C>G on transcript NM_001371928.1 (MANE Select); coding-DNA position 206, C replaced by G.
Protein change: p.Pro69Arg; replaces proline 69 with arginine.
Molecular consequence: missense variant.
Genome position (GRCh38, 1-based): chr1:27,551,910, G>C on the plus strand (C>G on the coding strand, the complement: AHDC1 is on the minus strand). VCF-style: chr1-27551910-G-C. GRCh37 (hg19) VCF-style: chr1-27878421-G-C.
Other names: c.206C>G, p.Pro69Arg (NM_001029882.3); c.206C>G (NM_001029882.2); short protein forms P69R.
Identifiers: ClinVar variation 1950960 (VCV001950960.6), dbSNP rs2019591414, ClinGen allele CA339238253.
Genomic context (GRCh38, chr1:27,551,910, plus strand): 5'-GCTGCCCGTGGGGGCAGCGGGTCGTCCCCCTTGGCAAGGACTGGTGGGCGCCGGGTGCTG[G>C]GGTCCCGGCGTGGGGGTGGGCGTGGGTTCTCGGAGAAGGCGTGGGTGGAGAAGGCCTTGT-3'
Protein context (NP_001358857.1, residues 59-79): ENPRPPPRRD[Pro69Arg]STRRPPVLAK

ClinVar aggregate classification (germline): Uncertain significance. Review status: criteria provided, multiple submitters, no conflicts (2 of 4 stars). 2 submissions from 2 submitters: Uncertain significance (2). Last evaluated 2025-08-10.

Conditions:
Inborn genetic diseases. Identifiers: MedGen C0950123, MeSH D030342.

Allele frequency attached by ClinVar (database versions not stated): gnomAD exomes below 0.00001; TOPMed below 0.00001.

Submissions (2):

Ambry Genetics
Classification: Uncertain significance for Inborn genetic diseases. Last evaluated: 2025-08-10. Review status: criteria provided, single submitter. Criteria: Ambry Variant Classification Scheme 2023. Collection method: clinical testing. Allele origin: germline.

Labcorp Genetics (formerly Invitae), Labcorp
Classification: Uncertain significance. Last evaluated: 2025-02-06. Review status: criteria provided, single submitter. Criteria: Invitae Variant Classification Sherloc (09022015). Collection method: clinical testing. Allele origin: germline.
Comment: This sequence change replaces proline, which is neutral and non-polar, with arginine, which is basic and polar, at codon 69 of the AHDC1 protein (p.Pro69Arg). This variant is not present in population databases (gnomAD no frequency). This variant has not been reported in the literature in individuals affected with AHDC1-related conditions. ClinVar contains an entry for this variant (Variation ID: 1950960). An algorithm developed to predict the effect of missense changes on protein structure and function (PolyPhen-2) suggests that this variant is likely to be disruptive. In summary, the available evidence is currently insufficient to determine the role of this variant in disease. Therefore, it has been classified as a Variant of Uncertain Significance.